The following is an entry in ClinVar:

ClinVar aggregate classification (germline): Uncertain significance (1 of 4 stars; one submission).

gnomAD v4.1: 8 of 1,613,866 alleles (0.0005%); highest among the groups gnomAD compares: Middle Eastern, 0.033%; no homozygotes.

Submission:

Labcorp Genetics (formerly Invitae), Labcorp
Classification: Uncertain significance. Last evaluated: 2024-06-10. Review status: criteria provided, single submitter. Criteria: Invitae Variant Classification Sherloc (09022015). Collection method: clinical testing. Allele origin: germline.
Comment: This sequence change replaces arginine, which is basic and polar, with glycine, which is neutral and non-polar, at codon 2020 of the FBN3 protein (p.Arg2020Gly). This variant is not present in population databases (gnomAD no frequency). This variant has not been reported in the literature in individuals affected with FBN3-related conditions. Advanced modeling of protein sequence and biophysical properties (such as structural, functional, and spatial information, amino acid conservation, physicochemical variation, residue mobility, and thermodynamic stability) performed at Invitae indicates that this missense variant is not expected to disrupt FBN3 protein function with a negative predictive value of 80%. In summary, the available evidence is currently insufficient to determine the role of this variant in disease. Therefore, it has been classified as a Variant of Uncertain Significance.

NM_032447.5(FBN3):c.6058C>G (p.Arg2020Gly)

Gene: FBN3 (fibrillin 3; minus strand). Cytogenetic location: 19p13.2.
Variant type: single nucleotide variant.
Coding change: c.6058C>G on transcript NM_032447.5 (MANE Select); coding-DNA position 6058, C replaced by G.
Protein change: p.Arg2020Gly; replaces arginine 2020 with glycine.
Molecular consequence: missense variant.
Genome position (GRCh38, 1-based): chr19:8,090,225, G>C on the plus strand (C>G on the coding strand, the complement: FBN3 is on the minus strand). VCF-style: chr19-8090225-G-C. GRCh37 (hg19) VCF-style: chr19-8155109-G-C.
Other names: c.6058C>G, p.Arg2020Gly (NM_001321431.2); short protein forms R2020G.
Identifiers: ClinVar variation 3715308 (VCV003715308.2).